The following is an entry in ClinVar:

NM_007118.4(TRIO):c.2461C>G (p.Leu821Val)

Gene: TRIO (trio Rho guanine nucleotide exchange factor; plus strand). Cytogenetic location: 5p15.2.
Variant type: single nucleotide variant.
Coding change: c.2461C>G on transcript NM_007118.4 (MANE Select); coding-DNA position 2461, C replaced by G.
Protein change: p.Leu821Val; replaces leucine 821 with valine.
Molecular consequence: missense variant. On other transcripts: non-coding transcript variant (1).
Genome position (GRCh38, 1-based): chr5:14,363,801, C>G. VCF-style: chr5-14363801-C-G. GRCh37 (hg19) VCF-style: chr5-14363910-C-G.
Other names: short protein forms L821V.
Identifiers: ClinVar variation 4874716 (VCV004874716.2).

ClinVar aggregate classification (germline): Uncertain significance (1 of 4 stars; one submission).

Submission:

CeGaT Center for Human Genetics Tuebingen
Classification: Uncertain significance. Last evaluated: 2026-04-01. Review status: criteria provided, single submitter. Criteria: CeGaT Center For Human Genetics Tuebingen Variant Classification Criteria Version 2. Collection method: clinical testing. Allele origin: germline. Affected: yes. Observed: 1 variant allele.
Comment: TRIO: PM2